The following is an entry in ClinVar:

ClinVar aggregate classification (germline): Uncertain significance (1 of 4 stars; one submission).

gnomAD v4.1: 4 of 1,614,226 alleles (0.00025%); highest among the groups gnomAD compares: Admixed American, 0.0067%; no homozygotes.

Submission:

ARUP Laboratories, Molecular Genetics and Genomics, ARUP Laboratories
Classification: Uncertain significance. Last evaluated: 2024-08-26. Review status: criteria provided, single submitter. Criteria: ARUP Molecular Germline Variant Investigation Process 2024. Collection method: clinical testing. Allele origin: germline.
Comment: The TGFB3 c.441C>G; p.Phe147Leu variant (rs560468476), to our knowledge, is not reported in the medical literature or gene specific databases. This variant is found in the general population with an overall allele frequency of 0.002% (4/251,440 alleles) in the Genome Aggregation Database (v2.1.1). Computational analyses are uncertain whether this variant is neutral or deleterious (REVEL: 0.214). However, given the lack of clinical and functional data, the significance of this variant is uncertain at this time.

NM_003239.5(TGFB3):c.441C>G (p.Phe147Leu)

Gene: TGFB3 (transforming growth factor beta 3; minus strand). Cytogenetic location: 14q24.3.
Variant type: single nucleotide variant.
Coding change: c.441C>G on transcript NM_003239.5 (MANE Select); coding-DNA position 441, C replaced by G.
Protein change: p.Phe147Leu; replaces phenylalanine 147 with leucine.
Molecular consequence: missense variant.
Genome position (GRCh38, 1-based): chr14:75,971,630, G>C on the plus strand (C>G on the coding strand, the complement: TGFB3 is on the minus strand). VCF-style: chr14-75971630-G-C. GRCh37 (hg19) VCF-style: chr14-76437973-G-C.
Other names: c.441C>G, p.Phe147Leu (NM_001329938.2, NM_001329939.2); short protein forms F147L.
Identifiers: ClinVar variation 3766800 (VCV003766800.1).